The following is an entry in ClinVar:

ClinVar aggregate classification (germline): Conflicting classifications of pathogenicity. Review status: criteria provided, conflicting classifications (1 of 4 stars). 7 submissions from 7 submitters: Uncertain significance (1); Likely benign (3). 3 of the submissions do not count toward it. Last evaluated 2026-04-01.

Conditions:
ALX1-related disorder. Also called: ALX1-related condition.

Allele frequency attached by ClinVar (database versions not stated): 1000 Genomes Project 30x 0.00016; ExAC 0.00176; TOPMed 0.00241; ESP Exome Variant Server 0.00254.
gnomAD v4.1: 4,402 of 1,611,938 alleles (0.27%); highest among the groups gnomAD compares: Non-Finnish European, 0.32%; 9 homozygotes.

Submissions (7):

CeGaT Center for Human Genetics Tuebingen
Classification: Likely benign. Last evaluated: 2026-04-01. Review status: criteria provided, single submitter. Criteria: CeGaT Center For Human Genetics Tuebingen Variant Classification Criteria Version 2. Collection method: clinical testing. Allele origin: germline. Affected: yes. Observed: 1 variant allele.
Comment: ALX1: BS1

Labcorp Genetics (formerly Invitae), Labcorp
Classification: Likely benign. Last evaluated: 2025-12-02. Review status: criteria provided, single submitter. Criteria: Invitae Variant Classification Sherloc (09022015). Collection method: clinical testing. Allele origin: germline.

Blueprint Genetics
Classification: Likely benign. Last evaluated: 2024-11-26. Review status: criteria provided, single submitter. Criteria: ACMG Guidelines, 2015. Collection method: clinical testing. Allele origin: germline.

Genetic Services Laboratory, University of Chicago
Classification: Uncertain significance. Last evaluated: 2015-01-14. Review status: criteria provided, single submitter. Criteria: ACMG Guidelines, 2015. Collection method: clinical testing. Allele origin: germline.

PreventionGenetics, part of Exact Sciences
Classification: Benign for ALX1-related condition. Last evaluated: 2019-11-21. Review status: no assertion criteria provided. Collection method: clinical testing. Allele origin: germline. Not counted in ClinVar's aggregate classification.
Comment: This variant is classified as benign based on ACMG/AMP sequence variant interpretation guidelines (Richards et al. 2015 PMID: 25741868, with internal and published modifications).

Genome Diagnostics Laboratory, Amsterdam University Medical Center
Classification: Likely benign. Review status: no assertion criteria provided. Collection method: clinical testing. Allele origin: germline. Affected: yes. Study: VKGL Data-share Consensus. Not counted in ClinVar's aggregate classification.

Laboratory of Diagnostic Genome Analysis, Leiden University Medical Center (LUMC)
Classification: Likely benign. Review status: no assertion criteria provided. Collection method: clinical testing. Allele origin: germline. Affected: yes. Study: VKGL Data-share Consensus. Not counted in ClinVar's aggregate classification.

NM_006982.3(ALX1):c.190C>T (p.Arg64Cys)

Genes: ALX1 (ALX homeobox 1; plus strand), LOC124629423 (Sharpr-MPRA regulatory region 79; plus strand). Cytogenetic location: 12q21.31.
Variant type: single nucleotide variant.
Coding change: c.190C>T on transcript NM_006982.3 (MANE Select); coding-DNA position 190, C replaced by T.
Protein change: p.Arg64Cys; replaces arginine 64 with cysteine.
Molecular consequence: missense variant.
Genome position (GRCh38, 1-based): chr12:85,280,451, C>T. VCF-style: chr12-85280451-C-T. GRCh37 (hg19) VCF-style: chr12-85674229-C-T.
Other names: short protein forms R64C.
Identifiers: ClinVar variation 210133 (VCV000210133.19), dbSNP rs145944049, ClinGen allele CA209714.